The following is an entry in ClinVar:

ClinVar aggregate classification (germline): Uncertain significance. Review status: criteria provided, multiple submitters, no conflicts (2 of 4 stars). 2 submissions from 2 submitters: Uncertain significance (2). Last evaluated 2024-07-15.

Conditions:
Charcot-Marie-Tooth disease axonal type 2O. Also called: CHARCOT-MARIE-TOOTH NEUROPATHY, AXONAL, TYPE 2O; CHARCOT-MARIE-TOOTH DISEASE, AXONAL, AUTOSOMAL DOMINANT, TYPE 2O; Charcot-Marie-Tooth disease, axonal, type 20; Charcot-Marie-Tooth Neuropathy Type 2O. Identifiers: Orphanet 284232, MedGen C3280220, MONDO:0013644, OMIM 614228.

Allele frequency attached by ClinVar (database versions not stated): TOPMed below 0.00001; gnomAD 0.00001.
gnomAD v4.1: 1 of 1,613,726 alleles (0.000062%); highest among the groups gnomAD compares: African/African-American, 0.0013%; no homozygotes.

Submissions (2):

Labcorp Genetics (formerly Invitae), Labcorp
Classification: Uncertain significance for Charcot-Marie-Tooth disease axonal type 2O. Last evaluated: 2024-07-15. Review status: criteria provided, single submitter. Criteria: Invitae Variant Classification Sherloc (09022015). Collection method: clinical testing. Allele origin: germline.
Comment: This sequence change replaces glutamic acid, which is acidic and polar, with glutamine, which is neutral and polar, at codon 2544 of the DYNC1H1 protein (p.Glu2544Gln). This variant is not present in population databases (gnomAD no frequency). This variant has not been reported in the literature in individuals affected with DYNC1H1-related conditions. ClinVar contains an entry for this variant (Variation ID: 1304127). Advanced modeling of protein sequence and biophysical properties (such as structural, functional, and spatial information, amino acid conservation, physicochemical variation, residue mobility, and thermodynamic stability) performed at Invitae indicates that this missense variant is not expected to disrupt DYNC1H1 protein function with a negative predictive value of 95%. In summary, the available evidence is currently insufficient to determine the role of this variant in disease. Therefore, it has been classified as a Variant of Uncertain Significance.

GeneDx
Classification: Uncertain significance. Last evaluated: 2020-07-10. Review status: criteria provided, single submitter. Criteria: GeneDx Variant Classification Process June 2021. Collection method: clinical testing. Allele origin: germline. Affected: yes.
Comment: Not observed in large population cohorts (Lek et al., 2016); In silico analysis supports that this missense variant does not alter protein structure/function; Has not been previously published as pathogenic or benign to our knowledge

NM_001376.5(DYNC1H1):c.7630G>C (p.Glu2544Gln)

Gene: DYNC1H1 (dynein cytoplasmic 1 heavy chain 1; plus strand). Cytogenetic location: 14q32.31.
Variant type: single nucleotide variant.
Coding change: c.7630G>C on transcript NM_001376.5 (MANE Select); coding-DNA position 7630, G replaced by C.
Protein change: p.Glu2544Gln; replaces glutamic acid 2544 with glutamine.
Molecular consequence: missense variant.
Genome position (GRCh38, 1-based): chr14:102,016,781, G>C. VCF-style: chr14-102016781-G-C. GRCh37 (hg19) VCF-style: chr14-102483118-G-C.
Other names: short protein forms E2544Q.
Identifiers: ClinVar variation 1304127 (VCV001304127.4), dbSNP rs1434419089, ClinGen allele CA391002564.